The following is an entry in ClinVar:

ClinVar aggregate classification (germline): Uncertain significance (1 of 4 stars; one submission).

Conditions:
Ullrich congenital muscular dystrophy 2 (UCMD2). Identifiers: Orphanet 75840, MedGen C4225314, MONDO:0014654, OMIM 616470.
Bethlem myopathy 2 (BTHLM2). Identifiers: Orphanet 536516, Orphanet 610, MedGen C4225313, MONDO:0034022, OMIM 616471.

gnomAD v4.1: 1 of 1,613,982 alleles (0.000062%); highest among the groups gnomAD compares: African/African-American, 0.0013%; no homozygotes.

Submission:

Labcorp Genetics (formerly Invitae), Labcorp
Classification: Uncertain significance for Bethlem myopathy 2; Ullrich congenital muscular dystrophy 2. Last evaluated: 2021-12-17. Review status: criteria provided, single submitter. Criteria: Invitae Variant Classification Sherloc (09022015). Collection method: clinical testing. Allele origin: germline.
Comment: In summary, the available evidence is currently insufficient to determine the role of this variant in disease. Therefore, it has been classified as a Variant of Uncertain Significance. Algorithms developed to predict the effect of missense changes on protein structure and function are either unavailable or do not agree on the potential impact of this missense change (SIFT: "Deleterious"; PolyPhen-2: "Possibly Damaging"; Align-GVGD: "Class C0"). This variant has not been reported in the literature in individuals affected with COL12A1-related conditions. This variant is not present in population databases (gnomAD no frequency). This sequence change replaces glycine, which is neutral and non-polar, with arginine, which is basic and polar, at codon 897 of the COL12A1 protein (p.Gly897Arg).

NM_004370.6(COL12A1):c.2689G>C (p.Gly897Arg)

Gene: COL12A1 (collagen type XII alpha 1 chain; minus strand). Cytogenetic location: 6q13.
Variant type: single nucleotide variant.
Coding change: c.2689G>C on transcript NM_004370.6 (MANE Select); coding-DNA position 2689, G replaced by C.
Protein change: p.Gly897Arg; replaces glycine 897 with arginine.
Molecular consequence: missense variant. On other transcripts: intron variant (1).
Genome position (GRCh38, 1-based): chr6:75,175,059, C>G on the plus strand (G>C on the coding strand, the complement: COL12A1 is on the minus strand). VCF-style: chr6-75175059-C-G. GRCh37 (hg19) VCF-style: chr6-75884775-C-G.
Other names: c.74-22577G>C (NM_080645.3); short protein forms G897R.
Identifiers: ClinVar variation 1345753 (VCV001345753.6), dbSNP rs2149451801, ClinGen allele CA364761138.